The following is an entry in ClinVar:

ClinVar aggregate classification (germline): Pathogenic/Likely pathogenic. Review status: criteria provided, multiple submitters, no conflicts (2 of 4 stars). 2 submissions from 2 submitters: Pathogenic (1); Likely pathogenic (1). Last evaluated 2024-04-23.

Conditions:
RASA1-related disorder. Also called: RASA1-related condition.

Submissions (2):

Blueprint Genetics
Classification: Likely pathogenic for RASA1-related disorders. Last evaluated: 2024-04-23. Review status: criteria provided, single submitter. Criteria: ACMG Guidelines, 2015. Collection method: clinical testing. Allele origin: germline. Affected: yes. Observed: 1 variant allele.

Laboratorio de Genetica e Diagnostico Molecular, Hospital Israelita Albert Einstein
Classification: Pathogenic. Last evaluated: 2021-06-17. Review status: criteria provided, single submitter. Criteria: ACMG Guidelines, 2015. Collection method: clinical testing. Allele origin: germline. Affected: yes.
Comment: ACMG classification criteria: PVS1, PS4, PM2

NM_002890.3(RASA1):c.1698+1G>A

Genes: CCNH (cyclin H; minus strand), RASA1 (RAS p21 protein activator 1; plus strand). Cytogenetic location: 5q14.3.
Variant type: single nucleotide variant.
Coding change: c.1698+1G>A on transcript NM_002890.3 (MANE Select); the canonical splice donor site of the intron after coding-DNA position 1698, G replaced by A.
Molecular consequence: splice donor variant. On other transcripts: intron variant (1).
Genome position (GRCh38, 1-based): chr5:87,369,901, G>A. VCF-style: chr5-87369901-G-A. GRCh37 (hg19) VCF-style: chr5-86665718-G-A.
Other names: c.1167+1G>A (NM_022650.3); c.933+25143C>T (NM_001364075.2).
Identifiers: ClinVar variation 1690399 (VCV001690399.3), dbSNP rs2112474880, ClinGen allele CA360372213.